The following is an entry in ClinVar:

ClinVar aggregate classification (germline): Uncertain significance. Review status: criteria provided, multiple submitters, no conflicts (2 of 4 stars). 4 submissions from 4 submitters: Uncertain significance (3). 1 of the submissions does not count toward it. Last evaluated 2025-09-02.

Conditions:
Retinal dystrophy. Also called: Inherited retinal dystrophy. Identifiers: Orphanet 71862, MedGen C0854723, MeSH D058499, MONDO:0019118, HP:0000556.
Inborn genetic diseases. Identifiers: MedGen C0950123, MeSH D030342.
Retinitis pigmentosa 78 (RP78). Identifiers: MedGen C4479481, MONDO:0044314, OMIM 617433.

Allele frequency attached by ClinVar (database versions not stated): TOPMed 0.00008; gnomAD 0.00009 and 0.00010; gnomAD exomes 0.00012 and 0.00014; ExAC 0.00016.
gnomAD v4.1: 201 of 1,613,624 alleles (0.012%); highest among the groups gnomAD compares: Non-Finnish European, 0.014%; no homozygotes.

Submissions (4):

Labcorp Genetics (formerly Invitae), Labcorp
Classification: Uncertain significance. Last evaluated: 2025-09-02. Review status: criteria provided, single submitter. Criteria: Invitae Variant Classification Sherloc (09022015). Collection method: clinical testing. Allele origin: germline.
Comment: This sequence change replaces lysine, which is basic and polar, with arginine, which is basic and polar, at codon 447 of the ARHGEF18 protein (p.Lys447Arg). This variant is present in population databases (rs201963103, gnomAD 0.03%). This variant has not been reported in the literature in individuals affected with ARHGEF18-related conditions. ClinVar contains an entry for this variant (Variation ID: 1433026). An algorithm developed to predict the effect of missense changes on protein structure and function outputs the following: PolyPhen-2: "Possibly Damaging". The arginine amino acid residue is found in multiple mammalian species, which suggests that this missense change does not adversely affect protein function. In summary, the available evidence is currently insufficient to determine the role of this variant in disease. Therefore, it has been classified as a Variant of Uncertain Significance.

Blueprint Genetics
Classification: Uncertain significance. Last evaluated: 2024-11-08. Review status: criteria provided, single submitter. Criteria: ACMG Guidelines, 2015. Collection method: clinical testing. Allele origin: germline.

Ambry Genetics
Classification: Uncertain significance for Inborn genetic diseases. Last evaluated: 2024-07-07. Review status: criteria provided, single submitter. Criteria: Ambry Variant Classification Scheme 2023. Collection method: clinical testing. Allele origin: germline.

Institute of Human Genetics, Univ. Regensburg, Univ. Regensburg
Classification: Uncertain significance for Retinal dystrophy. Last evaluated: 2023-01-01. Review status: no assertion criteria provided. Criteria: ACMG Guidelines, 2015. Collection method: clinical testing. Allele origin: germline. Affected: yes. Not counted in ClinVar's aggregate classification.

NM_001367823.1(ARHGEF18):c.1904A>G (p.Lys635Arg)

Gene: ARHGEF18 (Rho/Rac guanine nucleotide exchange factor 18; plus strand). Cytogenetic location: 19p13.2.
Variant type: single nucleotide variant.
Coding change: c.1904A>G on transcript NM_001367823.1 (MANE Select); coding-DNA position 1904, A replaced by G.
Protein change: p.Lys635Arg; replaces lysine 635 with arginine.
Molecular consequence: missense variant.
Genome position (GRCh38, 1-based): chr19:7,453,515, A>G. VCF-style: chr19-7453515-A-G. GRCh37 (hg19) VCF-style: chr19-7518401-A-G.
Other names: c.1178A>G, p.Lys393Arg (NM_001130955.2); c.866A>G, p.Lys289Arg (NM_001367824.1, NM_015318.4); c.1340A>G (NM_001130955.1); short protein forms K289R, K393R, K635R.
Identifiers: ClinVar variation 1433026 (VCV001433026.11), dbSNP rs201963103, ClinGen allele CA9136674.